The following is an entry in ClinVar:

NM_000138.5(FBN1):c.4539C>A (p.Cys1513Ter)

Gene: FBN1 (fibrillin 1; minus strand). Cytogenetic location: 15q21.1.
Variant type: single nucleotide variant.
Coding change: c.4539C>A on transcript NM_000138.5 (MANE Select); coding-DNA position 4539, C replaced by A.
Protein change: p.Cys1513Ter; replaces cysteine 1513 with a stop codon.
Molecular consequence: nonsense.
Genome position (GRCh38, 1-based): chr15:48,468,455, G>T on the plus strand (C>A on the coding strand, the complement: FBN1 is on the minus strand). VCF-style: chr15-48468455-G-T. GRCh37 (hg19) VCF-style: chr15-48760652-G-T.
Other names: c.4539C>A, p.Cys1513Ter (NM_001406716.1); short protein forms C1513*.
Identifiers: ClinVar variation 3759767 (VCV003759767.2).
Genomic context (GRCh38, chr15:48,468,455, plus strand): 5'-AGTTTTTAAGGTCTTACCAACACAGCCAACTCGAGTTGGGTTCAGTTCAAAATCAGGTGG[G>T]CAGTCACAGATATAGCTGCCTGGAGTGTTGACACAGTTCCCACTGATGCACGTGGTTGGA-3'

ClinVar aggregate classification (germline): Pathogenic (1 of 4 stars; one submission).

Conditions:
Marfan syndrome (MFS). Also called: MARFAN SYNDROME, TYPE I; Marfan syndrome type 1; Marfan's syndrome; Marfan syndrome, classic; FBN1-Related Marfan Syndrome. Identifiers: Orphanet 284963, Orphanet 558, MedGen C0024796, MONDO:0007947, OMIM 154700.
Familial thoracic aortic aneurysm and aortic dissection (TAAD). Also called: Thoracic aortic aneurysms and dissections. Identifiers: Orphanet 91387, MedGen C4707243, MONDO:0019625.

Submission:

Labcorp Genetics (formerly Invitae), Labcorp
Classification: Pathogenic for Marfan syndrome; Familial thoracic aortic aneurysm and aortic dissection. Last evaluated: 2024-11-12. Review status: criteria provided, single submitter. Criteria: Invitae Variant Classification Sherloc (09022015). Collection method: clinical testing. Allele origin: germline.
Comment: This sequence change creates a premature translational stop signal (p.Cys1513*) in the FBN1 gene. It is expected to result in an absent or disrupted protein product. Loss-of-function variants in FBN1 are known to be pathogenic (PMID: 17657824, 19293843). This variant is not present in population databases (gnomAD no frequency). This variant has not been reported in the literature in individuals affected with FBN1-related conditions. For these reasons, this variant has been classified as Pathogenic.

Literature cited by the submitters: PubMed 17657824; PubMed 19293843.